The following is an entry in ClinVar:

ClinVar aggregate classification (germline): Conflicting classifications of pathogenicity. Review status: criteria provided, conflicting classifications (1 of 4 stars). 2 submissions from 2 submitters: Uncertain significance (1); Likely benign (1). Last evaluated 2026-09-21.

Conditions:
Connective tissue disorder. Also called: Connective tissue disease. Identifiers: MedGen C0009782, MONDO:0003900.

Submissions (2):

Molecular Diagnostic Laboratory for Inherited Cardiovascular Disease, Montreal Heart Institute
Classification: Likely benign. Last evaluated: 2026-09-21. Review status: criteria provided, single submitter. Criteria: ACMG Guidelines, 2015. Collection method: clinical testing. Allele origin: germline. Affected: no.
Comment: BP7

Center for Human Genetics, Inc
Classification: Uncertain significance for Connective tissue disorder. Last evaluated: 2016-11-01. Review status: criteria provided, single submitter. Criteria: ACMG Guidelines, 2015. Collection method: clinical testing. Allele origin: germline. Affected: yes.

NM_000093.5(COL5A1):c.2802C>T (p.Gly934=)

Gene: COL5A1 (collagen type V alpha 1 chain; plus strand). Cytogenetic location: 9q34.3.
Variant type: single nucleotide variant.
Coding change: c.2802C>T on transcript NM_000093.5 (MANE Select); coding-DNA position 2802, C replaced by T.
Protein change: p.Gly934=; no amino-acid change (glycine 934 retained).
Molecular consequence: synonymous variant.
Genome position (GRCh38, 1-based): chr9:134,796,376, C>T. VCF-style: chr9-134796376-C-T. GRCh37 (hg19) VCF-style: chr9-137688222-C-T.
Other names: c.2802C>T, p.Gly934= (NM_001278074.1).
Identifiers: ClinVar variation 547281 (VCV000547281.2), dbSNP rs1554801686, ClinGen allele CA467665302.